The following is an entry in ClinVar:

NM_000459.5(TEK):c.1507A>G (p.Thr503Ala)

Gene: TEK (TEK receptor tyrosine kinase; plus strand). Cytogenetic location: 9p21.2.
Variant type: single nucleotide variant.
Coding change: c.1507A>G on transcript NM_000459.5 (MANE Select); coding-DNA position 1507, A replaced by G.
Protein change: p.Thr503Ala; replaces threonine 503 with alanine.
Molecular consequence: missense variant.
Genome position (GRCh38, 1-based): chr9:27,192,506, A>G. VCF-style: chr9-27192506-A-G. GRCh37 (hg19) VCF-style: chr9-27192504-A-G.
Other names: c.1378A>G, p.Thr460Ala (NM_001290077.2, NM_001375476.1); c.1066A>G, p.Thr356Ala (NM_001290078.2); c.1507A>G, p.Thr503Ala (NM_001375475.1); short protein forms T356A, T503A, T460A.
Identifiers: ClinVar variation 914283 (VCV000914283.12), dbSNP rs200574110, ClinGen allele CA5016265.

ClinVar aggregate classification (germline): Conflicting classifications of pathogenicity. Review status: criteria provided, conflicting classifications (1 of 4 stars). 3 submissions from 3 submitters: Uncertain significance (2); Benign (1). Last evaluated 2025-08-21.

Conditions:
Multiple cutaneous and mucosal venous malformations (VMCM). Also called: TEK-Related Multiple Cutaneous and Mucosal Venous Malformations (VMCM). Identifiers: Orphanet 2451, MedGen C1838437, MONDO:0010842, OMIM 600195.
Inborn genetic diseases. Identifiers: MedGen C0950123, MeSH D030342.

Allele frequency attached by ClinVar (database versions not stated): gnomAD exomes 0.00003 and 0.00008; ESP Exome Variant Server 0.00015; 1000 Genomes Project 0.00080; gnomAD 0.00033 and 0.00032; TOPMed 0.00036; ExAC 0.00012; 1000 Genomes Project 30x 0.00094.
gnomAD v4.1: 90 of 1,613,982 alleles (0.0056%); highest among the groups gnomAD compares: African/African-American, 0.11%; no homozygotes.

Submissions (3):

Ambry Genetics
Classification: Uncertain significance for Inborn genetic diseases. Last evaluated: 2025-08-21. Review status: criteria provided, single submitter. Criteria: Ambry Variant Classification Scheme 2023. Collection method: clinical testing. Allele origin: germline.

ARUP Laboratories, Molecular Genetics and Genomics, ARUP Laboratories
Classification: Uncertain significance. Last evaluated: 2020-07-27. Review status: criteria provided, single submitter. Criteria: ARUP Molecular Germline Variant Investigation Process. Collection method: clinical testing. Allele origin: germline.
Comment: The TEK c.1507A>G; p.Thr503Ala variant (rs200574110), to our knowledge, is not reported in the medical literature but is reported in ClinVar (Variation ID: 914283). This variant is found in the African population with an allele frequency of 0.096% (24/24960 alleles) in the Genome Aggregation Database. The threonine at codon 503 is highly conserved, and computational analyses (SIFT: damaging, PolyPhen-2: benign) predict conflicting effects of this variant on protein structure/function. Due to limited information, the clinical significance of the p.Thr503Ala variant is uncertain at this time.

Illumina Laboratory Services, Illumina
Classification: Benign for Multiple cutaneous and mucosal venous malformations. Last evaluated: 2018-01-13. Review status: criteria provided, single submitter. Criteria: ICSL Variant Classification Criteria 13 December 2019. Collection method: clinical testing. Allele origin: germline.
Comment: This variant was observed in the ICSL laboratory as part of a predisposition screen in an ostensibly healthy population. It had not been previously curated by ICSL or reported in the Human Gene Mutation Database (HGMD: prior to June 1st, 2018), and was therefore a candidate for classification through an automated scoring system. Utilizing variant allele frequency, disease prevalence and penetrance estimates, and inheritance mode, an automated score was calculated to assess if this variant is too frequent to cause the disease. Based on the score and internal cut-off values, a variant classified as benign is not then subjected to further curation. The score for this variant resulted in a classification of benign for this disease.